The following is an entry in ClinVar:

ClinVar aggregate classification (germline): Uncertain significance. Review status: criteria provided, multiple submitters, no conflicts (2 of 4 stars). 3 submissions from 3 submitters: Uncertain significance (3). Last evaluated 2025-07-10.

Conditions:
Cardiovascular phenotype. Identifiers: MedGen CN230736.
Hereditary cancer-predisposing syndrome. Also called: Hereditary Cancer Syndrome; Hereditary neoplastic syndrome; Tumor predisposition; Neoplastic Syndromes, Hereditary. Identifiers: Orphanet 140162, MedGen C0027672, MeSH D009386, MONDO:0015356.
Neurofibromatosis, type 1 (NF1). Also called: VON RECKLINGHAUSEN DISEASE; NEUROFIBROMATOSIS, TYPE I, SOMATIC; Peripheral type neurofibromatosis; Neurofibromatosis, type I. Identifiers: Orphanet 636, MedGen C0027831, MONDO:0018975, OMIM 162200. Disease mechanism: loss of function.

Submissions (3):

Labcorp Genetics (formerly Invitae), Labcorp
Classification: Uncertain significance for Neurofibromatosis, type 1. Last evaluated: 2025-07-10. Review status: criteria provided, single submitter. Criteria: Invitae Variant Classification Sherloc (09022015). Collection method: clinical testing. Allele origin: germline.
Comment: This sequence change replaces asparagine, which is neutral and polar, with tyrosine, which is neutral and polar, at codon 2754 of the NF1 protein (p.Asn2754Tyr). This variant is not present in population databases (gnomAD no frequency). This variant has not been reported in the literature in individuals affected with NF1-related conditions. ClinVar contains an entry for this variant (Variation ID: 457869). Invitae Evidence Modeling of protein sequence and biophysical properties (such as structural, functional, and spatial information, amino acid conservation, physicochemical variation, residue mobility, and thermodynamic stability) indicates that this missense variant is not expected to disrupt NF1 protein function with a negative predictive value of 95%. In summary, the available evidence is currently insufficient to determine the role of this variant in disease. Therefore, it has been classified as a Variant of Uncertain Significance.

Ambry Genetics
Classification: Uncertain significance for Cardiovascular phenotype; Hereditary cancer-predisposing syndrome. Last evaluated: 2023-09-28. Review status: criteria provided, single submitter. Criteria: Ambry Variant Classification Scheme 2023. Collection method: clinical testing. Allele origin: germline.
Comment: The p.N2754Y variant (also known as c.8260A>T), located in coding exon 56 of the NF1 gene, results from an A to T substitution at nucleotide position 8260. The asparagine at codon 2754 is replaced by tyrosine, an amino acid with dissimilar properties. This amino acid position is highly conserved in available vertebrate species. In addition, this alteration is predicted to be tolerated by in silico analysis. Since supporting evidence is limited at this time, the clinical significance of this alteration remains unclear.

GeneDx
Classification: Uncertain significance. Last evaluated: 2022-06-16. Review status: criteria provided, single submitter. Criteria: GeneDx Variant Classification Process June 2021. Collection method: clinical testing. Allele origin: germline. Affected: yes.
Comment: Not observed at significant frequency in large population cohorts (gnomAD); In silico analysis supports that this missense variant has a deleterious effect on protein structure/function; Has not been previously published as pathogenic or benign to our knowledge; This variant is associated with the following publications: (PMID: 25486365)

NM_001042492.3(NF1):c.8323A>T (p.Asn2775Tyr)

Gene: NF1 (neurofibromin 1; plus strand). Cytogenetic location: 17q11.2.
Variant type: single nucleotide variant.
Coding change: c.8323A>T on transcript NM_001042492.3 (MANE Select); coding-DNA position 8323, A replaced by T.
Protein change: p.Asn2775Tyr; replaces asparagine 2775 with tyrosine.
Molecular consequence: missense variant.
Genome position (GRCh38, 1-based): chr17:31,360,649, A>T. VCF-style: chr17-31360649-A-T. GRCh37 (hg19) VCF-style: chr17-29687667-A-T.
Other names: c.8260A>T, p.Asn2754Tyr (NM_000267.4); short protein forms N2754Y, N2775Y.
Identifiers: ClinVar variation 457869 (VCV000457869.8), dbSNP rs1555537252, ClinGen allele CA399204958.